The following is an entry in ClinVar:

NM_001369.3(DNAH5):c.10280del (p.Lys3427fs)

Gene: DNAH5 (dynein axonemal heavy chain 5; minus strand). Cytogenetic location: 5p15.2.
Variant type: Deletion.
Coding change: c.10280del on transcript NM_001369.3 (MANE Select); coding-DNA position 10280, one base deleted (A; older notation c.10280delA).
Protein change: p.Lys3427fs; shifts the reading frame from lysine 3427.
Molecular consequence: frameshift variant.
Genome position (GRCh38, 1-based): chr5:13,762,723, T deleted on the plus strand (A on the coding strand, the reverse complement: DNAH5 is on the minus strand); the first of 2 consecutive T bases (chr5:13,762,723-13,762,724); deleting either gives the same sequence. VCF-style (leftmost placement, unchanged base first): chr5-13762722-CT-C. GRCh37 (hg19) VCF-style: chr5-13762831-CT-C.
Other names: short protein forms K3427fs.
Identifiers: ClinVar variation 1075446 (VCV001075446.8), dbSNP rs2126745441, ClinGen allele CA2499217605.

ClinVar aggregate classification (germline): Pathogenic. Review status: criteria provided, multiple submitters, no conflicts (2 of 4 stars). 2 submissions from 2 submitters: Pathogenic (2). Last evaluated 2026-09-03.

Conditions:
Primary ciliary dyskinesia 3. Identifiers: Orphanet 244, MedGen C1837618, MONDO:0012085, OMIM 608644.
Primary ciliary dyskinesia. Also called: Ciliary dyskinesia. Identifiers: Orphanet 244, MedGen C0008780, MONDO:0016575, HP:0012265.

Submissions (2):

Myriad Genetics, Inc.
Classification: Pathogenic for Primary ciliary dyskinesia 3. Last evaluated: 2026-09-03. Review status: criteria provided, single submitter. Criteria: Myriad Autosomal Dominant, Autosomal Recessive and X-Linked Classification Criteria (2023). Collection method: clinical testing. Allele origin: unknown.
Comment: NM_001369.2(DNAH5):c.10280delA(K3427Rfs*43) is expected to be pathogenic in the context of primary ciliary dyskinesia, DNAH5-related. This variant is predicted to lead to an abnormal or absent protein product due to the creation of a premature termination codon in DNAH5, a gene where loss-of-function variants are known to be pathogenic. Please note: this variant was assessed in the context of healthy population screening.

Labcorp Genetics (formerly Invitae), Labcorp
Classification: Pathogenic for Primary ciliary dyskinesia. Last evaluated: 2020-03-08. Review status: criteria provided, single submitter. Criteria: Invitae Variant Classification Sherloc (09022015). Collection method: clinical testing. Allele origin: germline.
Comment: For these reasons, this variant has been classified as Pathogenic. Loss-of-function variants in DNAH5 are known to be pathogenic (PMID: 11788826, 16627867). This variant has not been reported in the literature in individuals with DNAH5-related conditions. This variant is not present in population databases (ExAC no frequency). This sequence change creates a premature translational stop signal (p.Lys3427Argfs*43) in the DNAH5 gene. It is expected to result in an absent or disrupted protein product.

Literature cited by the submitters: PubMed 11788826 (cited by Labcorp Genetics (formerly Invitae), Labcorp); PubMed 16627867 (cited by Labcorp Genetics (formerly Invitae), Labcorp).